The following is an entry in ClinVar:

NM_001371928.1(AHDC1):c.2495G>A (p.Arg832His)

Gene: AHDC1 (AT-hook DNA binding motif containing 1; minus strand). Cytogenetic location: 1p36.11.
Variant type: single nucleotide variant.
Coding change: c.2495G>A on transcript NM_001371928.1 (MANE Select); coding-DNA position 2495, G replaced by A.
Protein change: p.Arg832His; replaces arginine 832 with histidine.
Molecular consequence: missense variant.
Genome position (GRCh38, 1-based): chr1:27,549,621, C>T on the plus strand (G>A on the coding strand, the complement: AHDC1 is on the minus strand). VCF-style: chr1-27549621-C-T. GRCh37 (hg19) VCF-style: chr1-27876132-C-T.
Other names: c.2495G>A, p.Arg832His (NM_001029882.3); short protein forms R832H.
Identifiers: ClinVar variation 1918619 (VCV001918619.29), dbSNP rs1276300681, ClinGen allele CA339230406.

ClinVar aggregate classification (germline): Conflicting classifications of pathogenicity. Review status: criteria provided, conflicting classifications (1 of 4 stars). 2 submissions from 2 submitters: Uncertain significance (1); Likely benign (1). Last evaluated 2025-11-11.

Allele frequency attached by ClinVar (database versions not stated): gnomAD 0.00001; gnomAD exomes 0.00001.
gnomAD v4.1: 9 of 1,613,006 alleles (0.00056%); highest among the groups gnomAD compares: Non-Finnish European, 0.00068%; no homozygotes.

Submissions (2):

Labcorp Genetics (formerly Invitae), Labcorp
Classification: Likely benign. Last evaluated: 2025-11-11. Review status: criteria provided, single submitter. Criteria: Invitae Variant Classification Sherloc (09022015). Collection method: clinical testing. Allele origin: germline.

CeGaT Center for Human Genetics Tuebingen
Classification: Uncertain significance. Last evaluated: 2023-02-01. Review status: criteria provided, single submitter. Criteria: CeGaT Center For Human Genetics Tuebingen Variant Classification Criteria Version 2. Collection method: clinical testing. Allele origin: germline. Affected: yes. Observed: 1 variant allele.
Comment: AHDC1: PS4:Supporting